The following is an entry in ClinVar:

NM_000540.3(RYR1):c.2658C>T (p.Ile886=)

Gene: RYR1 (ryanodine receptor 1; plus strand). Cytogenetic location: 19q13.2.
Variant type: single nucleotide variant.
Coding change: c.2658C>T on transcript NM_000540.3 (MANE Select); coding-DNA position 2658, C replaced by T.
Protein change: p.Ile886=; no amino-acid change (isoleucine 886 retained).
Molecular consequence: synonymous variant.
Genome position (GRCh38, 1-based): chr19:38,463,503, C>T. VCF-style: chr19-38463503-C-T. GRCh37 (hg19) VCF-style: chr19-38954143-C-T.
Other names: c.2658C>T, p.Ile886= (NM_001042723.2).
Identifiers: ClinVar variation 212101 (VCV000212101.54), dbSNP rs148094797, ClinGen allele CA063679.
Genomic context (GRCh38, chr19:38,463,503, plus strand): 5'-GGAGCGCATTCGGGAGAAGCTGGCGGAGAACATCCACGAGCTCTGGGCGCTAACCCGCAT[C>T]GAGCAGGGCTGGACCTACGGCCCGGTGAGGGGCTGCCTGCAGCCTGCGGGAGGCCGGCTA-3'
Protein context (NP_000531.2, residues 876-896): NIHELWALTR[Ile886=]EQGWTYGPVR

ClinVar aggregate classification (germline): Conflicting classifications of pathogenicity. Review status: criteria provided, conflicting classifications (1 of 4 stars). 7 submissions from 7 submitters: Uncertain significance (1); Likely benign (6). Last evaluated 2026-01-20.

Conditions:
RYR1-related disorder. Also called: RYR1-related disorders; RYR1-related condition. Identifiers: MedGen CN239331.
Malignant hyperthermia, susceptibility to, 1 (MHS1). Also called: Anesthesia related hyperthermia; Malignant hyperpyrexia; Fulminating hyperpyrexia; Pharmacogenic myopathy; RYR1-Related Malignant Hyperthermia Susceptibility; Malignant hyperthermia suceptibility 1. Identifiers: Orphanet 423, MedGen C2930980, MONDO:0007783, OMIM 145600.

Allele frequency attached by ClinVar (database versions not stated): TOPMed 0.00023; gnomAD 0.00035; ESP Exome Variant Server 0.00046.
gnomAD v4.1: 316 of 1,612,926 alleles (0.02%); highest among the groups gnomAD compares: African/African-American, 0.055%; no homozygotes.

Submissions (7):

Labcorp Genetics (formerly Invitae), Labcorp
Classification: Likely benign for RYR1-related disorder. Last evaluated: 2026-01-20. Review status: criteria provided, single submitter. Criteria: Invitae Variant Classification Sherloc (09022015). Collection method: clinical testing. Allele origin: germline.

CeGaT Center for Human Genetics Tuebingen
Classification: Likely benign. Last evaluated: 2026-01-01. Review status: criteria provided, single submitter. Criteria: CeGaT Center For Human Genetics Tuebingen Variant Classification Criteria Version 2. Collection method: clinical testing. Allele origin: germline. Affected: yes. Observed: 2 variant alleles.
Comment: RYR1: BP4, BP7

Women's Health and Genetics/Laboratory Corporation of America, LabCorp
Classification: Likely benign. Last evaluated: 2025-12-30. Review status: criteria provided, single submitter. Criteria: LabCorp Variant Classification Summary - May 2015. Collection method: clinical testing. Allele origin: germline.

Blueprint Genetics
Classification: Likely benign. Last evaluated: 2024-07-31. Review status: criteria provided, single submitter. Criteria: ACMG Guidelines, 2015. Collection method: clinical testing. Allele origin: germline.

All of Us Research Program, National Institutes of Health
Classification: Likely benign for Malignant hyperthermia, susceptibility to, 1. Last evaluated: 2024-01-11. Review status: criteria provided, single submitter. Criteria: ACMG Guidelines, 2015. Collection method: clinical testing. Allele origin: germline. Inheritance: Autosomal dominant inheritance. Observed: 29 variant alleles, 29 heterozygotes.
Comment: This study involves interpretation of variants in research participants for the purpose of population health screening. Participant phenotype was not available at the time of variant classification. Additional details can be found in publication PMID: 35346344, PMCID: PMC8962531

Color Diagnostics, LLC DBA Color Health
Classification: Likely benign for Malignant hyperthermia, susceptibility to, 1. Last evaluated: 2022-01-11. Review status: criteria provided, single submitter. Criteria: ACMG Guidelines, 2015. Collection method: clinical testing. Allele origin: germline.

Genetic Services Laboratory, University of Chicago
Classification: Uncertain significance. Last evaluated: 2014-11-19. Review status: criteria provided, single submitter. Criteria: ACMG Guidelines, 2015. Collection method: clinical testing. Allele origin: germline.